The following is an entry in ClinVar:

ClinVar aggregate classification (germline): Uncertain significance (1 of 4 stars; one submission).

Conditions:
Congenital myotonia, autosomal dominant form (THD). Also called: THOMSEN DISEASE; Myotonia congenita autosomal dominant. Identifiers: Orphanet 614, MedGen C2936781, MONDO:0008055, OMIM 160800.
Congenital myotonia, autosomal recessive form. Also called: BECKER DISEASE; Becker Generalized Myotonia; myotonia congenita, autosomal recessive. Identifiers: Orphanet 614, MedGen C0751360, MONDO:0009715, OMIM 255700.

Submission:

Labcorp Genetics (formerly Invitae), Labcorp
Classification: Uncertain significance for Congenital myotonia, autosomal recessive form; Congenital myotonia, autosomal dominant form. Last evaluated: 2019-06-27. Review status: criteria provided, single submitter. Criteria: Invitae Variant Classification Sherloc (09022015). Collection method: clinical testing. Allele origin: germline.
Comment: Experimental studies have shown that this missense change impacts the function of the CLCN1 voltage-dependent chloride channel (PMID: 12566541). In summary, the available evidence is currently insufficient to determine the role of this variant in disease. Therefore, it has been classified as a Variant of Uncertain Significance. This variant has not been reported in the literature in individuals with CLCN1-related disease. This variant is not present in population databases (ExAC no frequency). This sequence change replaces serine with alanine at codon 541 of the CLCN1 protein (p.Ser541Ala). The serine residue is highly conserved and there is a moderate physicochemical difference between serine and alanine.

Literature cited by the submitters: PubMed 12566541.

NM_000083.3(CLCN1):c.1621T>G (p.Ser541Ala)

Gene: CLCN1 (chloride voltage-gated channel 1; plus strand). Cytogenetic location: 7q34.
Variant type: single nucleotide variant.
Coding change: c.1621T>G on transcript NM_000083.3 (MANE Select); coding-DNA position 1621, T replaced by G.
Protein change: p.Ser541Ala; replaces serine 541 with alanine.
Molecular consequence: missense variant. On other transcripts: non-coding transcript variant (1).
Genome position (GRCh38, 1-based): chr7:143,341,967, T>G. VCF-style: chr7-143341967-T-G. GRCh37 (hg19) VCF-style: chr7-143039060-T-G.
Other names: short protein forms S541A.
Identifiers: ClinVar variation 578176 (VCV000578176.10), dbSNP rs1563084569, ClinGen allele CA369646417.